The following is an entry in ClinVar:

NM_001009944.3(PKD1):c.11713-7C>G

Gene: PKD1 (polycystin 1, transient receptor potential channel interacting; minus strand). Cytogenetic location: 16p13.3.
Variant type: single nucleotide variant.
Coding change: c.11713-7C>G on transcript NM_001009944.3 (MANE Select); 7 bases into the intron before coding-DNA position 11713, C replaced by G.
Molecular consequence: intron variant.
Genome position (GRCh38, 1-based): chr16:2,091,181, G>C on the plus strand (C>G on the coding strand, the complement: PKD1 is on the minus strand). VCF-style: chr16-2091181-G-C. GRCh37 (hg19) VCF-style: chr16-2141182-G-C.
Other names: c.11710-7C>G (NM_000296.4).
Identifiers: ClinVar variation 5000013 (VCV005000013.1).

ClinVar aggregate classification (germline): Likely benign (1 of 4 stars; one submission).

Conditions:
PKD1-related disorder. Also called: PKD1-related condition.

gnomAD v4.1: 11 of 1,414,922 alleles (0.00078%); highest among the groups gnomAD compares: Non-Finnish European, 0.001%; no homozygotes.

Submission:

PreventionGenetics, part of Exact Sciences
Classification: Likely benign for PKD1-related condition. Last evaluated: 2025-05-29. Review status: criteria provided, single submitter. Criteria: ACMG Guidelines, 2015. Collection method: clinical testing. Allele origin: germline.
Comment: This variant is classified as likely benign based on ACMG/AMP sequence variant interpretation guidelines (Richards et al. 2015 PMID: 25741868, with internal and published modifications).